The following is an entry in ClinVar:

NM_012062.5(DNM1L):c.122T>C (p.Val41Ala)

Gene: DNM1L (dynamin 1 like; plus strand). Cytogenetic location: 12p11.21.
Variant type: single nucleotide variant.
Coding change: c.122T>C on transcript NM_012062.5 (MANE Select); coding-DNA position 122, T replaced by C.
Protein change: p.Val41Ala; replaces valine 41 with alanine.
Molecular consequence: missense variant. On other transcripts: 5 prime UTR variant (1).
Genome position (GRCh38, 1-based): chr12:32,701,434, T>C. VCF-style: chr12-32701434-T-C. GRCh37 (hg19) VCF-style: chr12-32854368-T-C.
Other names: c.122T>C, p.Val41Ala (NM_001278463.2, NM_001278464.2, NM_001278465.2 and 3 more transcripts); c.-84T>C (NM_001278466.2); short protein forms V41A.
Identifiers: ClinVar variation 2000003 (VCV002000003.4), dbSNP rs2540980658, ClinGen allele CA384363013.

ClinVar aggregate classification (germline): Uncertain significance (1 of 4 stars; one submission).

Submission:

Labcorp Genetics (formerly Invitae), Labcorp
Classification: Uncertain significance. Last evaluated: 2022-05-28. Review status: criteria provided, single submitter. Criteria: Invitae Variant Classification Sherloc (09022015). Collection method: clinical testing. Allele origin: germline.
Comment: This variant is not present in population databases (gnomAD no frequency). This sequence change replaces valine, which is neutral and non-polar, with alanine, which is neutral and non-polar, at codon 41 of the DNM1L protein (p.Val41Ala). This variant has not been reported in the literature in individuals affected with DNM1L-related conditions. Algorithms developed to predict the effect of missense changes on protein structure and function are either unavailable or do not agree on the potential impact of this missense change (SIFT: "Deleterious"; PolyPhen-2: "Probably Damaging"; Align-GVGD: "Class C0"). In summary, the available evidence is currently insufficient to determine the role of this variant in disease. Therefore, it has been classified as a Variant of Uncertain Significance.